The following is an entry in ClinVar:

ClinVar aggregate classification (germline): Uncertain significance (1 of 4 stars; one submission).

Conditions:
Mucopolysaccharidosis, MPS-III-A (MPS3A). Also called: HEPARAN SULFATE SULFATASE DEFICIENCY; SANFILIPPO SYNDROME A; SULFAMIDASE DEFICIENCY; MPS III A; Mucopolysaccharidosis, type IIIA; MUCOPOLYSACCHARIDOSIS, TYPE IIIA, ATTENUATED. Identifiers: Orphanet 581, Orphanet 79269, MedGen C0086647, MONDO:0009655, OMIM 252900.

Allele frequency attached by ClinVar (database versions not stated): ExAC 0.00001; gnomAD 0.00003.
gnomAD v4.1: 7 of 1,611,170 alleles (0.00043%); highest among the groups gnomAD compares: African/African-American, 0.008%; no homozygotes.

Submission:

Labcorp Genetics (formerly Invitae), Labcorp
Classification: Uncertain significance for Mucopolysaccharidosis, MPS-III-A. Last evaluated: 2024-09-11. Review status: criteria provided, single submitter. Criteria: Invitae Variant Classification Sherloc (09022015). Collection method: clinical testing. Allele origin: germline.
Comment: This sequence change replaces tyrosine, which is neutral and polar, with histidine, which is basic and polar, at codon 215 of the SGSH protein (p.Tyr215His). This variant is present in population databases (rs756939944, gnomAD 0.01%). This variant has not been reported in the literature in individuals affected with SGSH-related conditions. ClinVar contains an entry for this variant (Variation ID: 2144539). Invitae Evidence Modeling of protein sequence and biophysical properties (such as structural, functional, and spatial information, amino acid conservation, physicochemical variation, residue mobility, and thermodynamic stability) indicates that this missense variant is expected to disrupt SGSH protein function with a positive predictive value of 95%. In summary, the available evidence is currently insufficient to determine the role of this variant in disease. Therefore, it has been classified as a Variant of Uncertain Significance.

NM_000199.5(SGSH):c.643T>C (p.Tyr215His)

Gene: SGSH (N-sulfoglucosamine sulfohydrolase; minus strand). Cytogenetic location: 17q25.3.
Variant type: single nucleotide variant.
Coding change: c.643T>C on transcript NM_000199.5 (MANE Select); coding-DNA position 643, T replaced by C.
Protein change: p.Tyr215His; replaces tyrosine 215 with histidine.
Molecular consequence: missense variant. On other transcripts: non-coding transcript variant (1).
Genome position (GRCh38, 1-based): chr17:80,214,192, A>G on the plus strand (T>C on the coding strand, the complement: SGSH is on the minus strand). VCF-style: chr17-80214192-A-G. GRCh37 (hg19) VCF-style: chr17-78187991-A-G.
Other names: c.643T>C, p.Tyr215His (NM_001352921.3, NM_001352922.2); short protein forms Y215H.
Identifiers: ClinVar variation 2144539 (VCV002144539.2), dbSNP rs756939944, ClinGen allele CA8817926.